The following is an entry in ClinVar:

ClinVar aggregate classification (germline): Conflicting classifications of pathogenicity. Review status: criteria provided, conflicting classifications (1 of 4 stars). 3 submissions from 3 submitters: Uncertain significance (1); Likely benign (1). 1 of the submissions does not count toward it. Last evaluated 2025-09-15.

Conditions:
ACADSB-related disorder. Also called: ACADSB-related condition.
Deficiency of 2-methylbutyryl-CoA dehydrogenase (ACADSB). Also called: 2-methylbutyryl-CoA dehydrogenase deficiency; SBCAD deficiency; 2-methylbutyric aciduria; Short branched-chain acyl-CoA dehydrogenase deficiency; 2-methylbutyrylglycinuria. Identifiers: Orphanet 79157, MedGen C1864912, MONDO:0012392, OMIM 610006, HP:0020147.

Allele frequency attached by ClinVar (database versions not stated): gnomAD exomes below 0.00001 and 0.00002; ExAC 0.00001; gnomAD 0.00001; TOPMed 0.00003.

Submissions (3):

Labcorp Genetics (formerly Invitae), Labcorp
Classification: Likely benign for Deficiency of 2-methylbutyryl-CoA dehydrogenase. Last evaluated: 2025-09-15. Review status: criteria provided, single submitter. Criteria: Invitae Variant Classification Sherloc (09022015). Collection method: clinical testing. Allele origin: germline.

Illumina Laboratory Services, Illumina
Classification: Uncertain significance for Deficiency of 2-methylbutyryl-CoA dehydrogenase. Last evaluated: 2018-01-13. Review status: criteria provided, single submitter. Criteria: ICSL Variant Classification Criteria 13 December 2019. Collection method: clinical testing. Allele origin: germline.

PreventionGenetics, part of Exact Sciences
Classification: Likely benign for ACADSB-related condition. Last evaluated: 2020-11-02. Review status: no assertion criteria provided. Collection method: clinical testing. Allele origin: germline. Not counted in ClinVar's aggregate classification.
Comment: This variant is classified as likely benign based on ACMG/AMP sequence variant interpretation guidelines (Richards et al. 2015 PMID: 25741868, with internal and published modifications).

NM_001609.4(ACADSB):c.219G>A (p.Gln73=)

Gene: ACADSB (acyl-CoA dehydrogenase short/branched chain; plus strand). Cytogenetic location: 10q26.13.
Variant type: single nucleotide variant.
Coding change: c.219G>A on transcript NM_001609.4 (MANE Select); coding-DNA position 219, G replaced by A.
Protein change: p.Gln73=; no amino-acid change (glutamine 73 retained).
Molecular consequence: synonymous variant. On other transcripts: intron variant (1).
Genome position (GRCh38, 1-based): chr10:123,037,763, G>A. VCF-style: chr10-123037763-G-A. GRCh37 (hg19) VCF-style: chr10-124797279-G-A.
Other names: c.-3-2703G>A (NM_001330174.3).
Identifiers: ClinVar variation 878893 (VCV000878893.13), dbSNP rs756256851, ClinGen allele CA5730657.